The following is an entry in ClinVar:

ClinVar aggregate classification (germline): Likely pathogenic (1 of 4 stars; one submission).

Conditions:
Fanconi anemia complementation group O. Also called: RAD51C-Related Fanconi Anemia. Identifiers: Orphanet 84, MedGen C3150653, MONDO:0013248, OMIM 613390.

Submission:

Labcorp Genetics (formerly Invitae), Labcorp
Classification: Likely pathogenic for Fanconi anemia complementation group O. Last evaluated: 2023-09-14. Review status: criteria provided, single submitter. Criteria: Invitae Variant Classification Sherloc (09022015). Collection method: clinical testing. Allele origin: germline.
Comment: This variant results in the deletion of part of exon 3 (c.500_572-2560delinsGTAGAGATAGGGG) of the RAD51C gene. It is expected to disrupt RNA splicing. Variants that disrupt the donor or acceptor splice site typically lead to a loss of protein function (PMID: 16199547), and loss-of-function variants in RAD51C are known to be pathogenic (PMID: 20400964, 21990120, 24800917, 29278735). This variant has not been reported in the literature in individuals affected with RAD51C-related conditions. In summary, the currently available evidence indicates that the variant is pathogenic, but additional data are needed to prove that conclusively. Therefore, this variant has been classified as Likely Pathogenic.

Literature cited by the submitters: PubMed 16199547; PubMed 20400964; PubMed 21990120; PubMed 24800917; PubMed 29278735.

NC_000017.10:g.(?_56774149)_(56777997_?)del

Gene: RAD51C (RAD51 paralog C; plus strand). Cytogenetic location: 17q22.
Variant type: Deletion.
Identifiers: ClinVar variation 1346015 (VCV001346015.4).